The following is an entry in ClinVar:

ClinVar aggregate classification (germline): Conflicting classifications of pathogenicity. Review status: criteria provided, conflicting classifications (1 of 4 stars). 2 submissions from 2 submitters: Pathogenic (1); Uncertain significance (1). Last evaluated 2024-02-17.

Conditions:
Osteoporosis. Identifiers: MedGen C0029456, MONDO:0005298, OMIM 166710, HP:0000939.

Allele frequency attached by ClinVar (database versions not stated): gnomAD exomes below 0.00001.
gnomAD v4.1: 4 of 1,565,978 alleles (0.00026%); highest among the groups gnomAD compares: Non-Finnish European, 0.00035%; no homozygotes.

Submissions (2):

Labcorp Genetics (formerly Invitae), Labcorp
Classification: Pathogenic. Last evaluated: 2024-02-17. Review status: criteria provided, single submitter. Criteria: Invitae Variant Classification Sherloc (09022015). Collection method: clinical testing. Allele origin: germline.
Comment: This sequence change replaces cysteine, which is neutral and slightly polar, with arginine, which is basic and polar, at codon 321 of the LRP5 protein (p.Cys321Arg). This variant is not present in population databases (gnomAD no frequency). This missense change has been observed in individual(s) with LRP5-related conditions (Invitae). In at least one individual the data is consistent with being in trans (on the opposite chromosome) from a pathogenic variant. It has also been observed to segregate with disease in related individuals. ClinVar contains an entry for this variant (Variation ID: 1996065). Advanced modeling of protein sequence and biophysical properties (such as structural, functional, and spatial information, amino acid conservation, physicochemical variation, residue mobility, and thermodynamic stability) performed at Invitae indicates that this missense variant is expected to disrupt LRP5 protein function with a positive predictive value of 95%. For these reasons, this variant has been classified as Pathogenic.

Victorian Clinical Genetics Services, Murdoch Childrens Research Institute
Classification: Uncertain significance for Osteoporosis. Last evaluated: 2021-05-06. Review status: criteria provided, single submitter. Criteria: ACMG Guidelines, 2015. Collection method: clinical testing. Allele origin: germline. Inheritance: Autosomal dominant inheritance. Affected: yes.
Comment: Based on the classification scheme VCGS_Germline_v1.3.4, this variant is classified as 3A-VUS. Following criteria are met: 0103 - Loss of function and gain of function are known mechanisms of disease in this gene. Gain of function has been associated with increased bone density in dominant Osteoporosis (PMID: 12015390), while loss of function is a mechanism associated with decreased bone density in recessive Osteoporosis-pseudoglioma syndrome (PMID: 11719191). (I) 0112 - The condition associated with this gene has incomplete penetrance (OMIM). (I) 0108 - This gene is associated with both recessive and dominant disease. Both autosomal dominant and recessive inheritance patterns have been observed for a range of different phenotypes, however Osteoporosis is known to be inherited in a dominant manner (OMIM). (I) 0200 - Variant is predicted to result in a missense amino acid change from cysteine to arginine. (I) 0251 - This variant is heterozygous. (I) 0301 - Variant is absent from gnomAD (both v2 and v3). (SP) 0501 - Missense variant consistently predicted to be damaging by multiple in silico tools or highly conserved with a major amino acid change. (SP) 0600 - Variant is located in the annotated FXa_inhibition domain (PDB, NCBI). (I) 0705 - No comparable missense variants have previous evidence for pathogenicity. (I) 0807 - This variant has no previous evidence of pathogenicity. (I) 0905 - No published segregation evidence has been identified for this variant. (I) 1007 - No published functional evidence has been identified for this variant. (I) 1102 - Strong phenotype match for this individual. (I) Legend: (SP) - Supporting pathogenic, (I) - Information, (SB) - Supporting benign

Literature cited by the submitters: PubMed 11719191 (cited by Victorian Clinical Genetics Services, Murdoch Childrens Research Institute); PubMed 12015390 (cited by Victorian Clinical Genetics Services, Murdoch Childrens Research Institute).

NM_002335.4(LRP5):c.961T>C (p.Cys321Arg)

Gene: LRP5 (LDL receptor related protein 5; plus strand). Cytogenetic location: 11q13.2.
Variant type: single nucleotide variant.
Coding change: c.961T>C on transcript NM_002335.4 (MANE Select); coding-DNA position 961, T replaced by C.
Protein change: p.Cys321Arg; replaces cysteine 321 with arginine.
Molecular consequence: missense variant. On other transcripts: 5 prime UTR variant (1).
Genome position (GRCh38, 1-based): chr11:68,365,648, T>C. VCF-style: chr11-68365648-T-C. GRCh37 (hg19) VCF-style: chr11-68133116-T-C.
Other names: c.-805T>C (NM_001291902.2); c.961T>C (NM_002335.3); short protein forms C321R.
Identifiers: ClinVar variation 1996065 (VCV001996065.5), dbSNP rs2496482483, ClinGen allele CA381611507.
Genomic context (GRCh38, chr11:68,365,648, plus strand): 5'-GAGGACAATGGCGGCTGCTCCCACCTGTGCCTGCTGTCCCCAAGCGAGCCTTTCTACACA[T>C]GCGCCTGCCCCACGGGTGTGCAGCTGCAGGACAACGGCAGGACGTGTAAGGCAGGTGAGG-3'
Protein context (NP_002326.2, residues 311-331): LLSPSEPFYT[Cys321Arg]ACPTGVQLQD